The following is an entry in ClinVar:

ClinVar aggregate classification (germline): Uncertain significance. Review status: criteria provided, multiple submitters, no conflicts (2 of 4 stars). 2 submissions from 2 submitters: Uncertain significance (2). Last evaluated 2024-04-12.

Conditions:
Autosomal recessive hypophosphatemic bone disease (HHRH). Also called: Hypophosphatemic rickets with hypercalciuria; HYPERCALCIURIC RICKETS. Identifiers: Orphanet 157215, MedGen C1853271, MONDO:0009431, OMIM 241530.

gnomAD v4.1: 18 of 1,610,746 alleles (0.0011%); highest among the groups gnomAD compares: Non-Finnish European, 0.0014%; no homozygotes.

Submissions (2):

Fulgent Genetics
Classification: Uncertain significance for Autosomal recessive hypophosphatemic bone disease. Last evaluated: 2024-04-12. Review status: criteria provided, single submitter. Criteria: ACMG Guidelines, 2015. Collection method: clinical testing. Allele origin: germline.

Labcorp Genetics (formerly Invitae), Labcorp
Classification: Uncertain significance. Last evaluated: 2021-12-17. Review status: criteria provided, single submitter. Criteria: Invitae Variant Classification Sherloc (09022015). Collection method: clinical testing. Allele origin: germline.
Comment: In summary, the available evidence is currently insufficient to determine the role of this variant in disease. Therefore, it has been classified as a Variant of Uncertain Significance. Algorithms developed to predict the effect of missense changes on protein structure and function (SIFT, PolyPhen-2, Align-GVGD) all suggest that this variant is likely to be tolerated. This variant has not been reported in the literature in individuals affected with SLC34A3-related conditions. This variant is present in population databases (no rsID available, gnomAD 0.0009%). This sequence change replaces arginine, which is basic and polar, with glycine, which is neutral and non-polar, at codon 68 of the SLC34A3 protein (p.Arg68Gly).

NM_001177316.2(SLC34A3):c.202C>G (p.Arg68Gly)

Gene: SLC34A3 (solute carrier family 34 member 3; plus strand). Cytogenetic location: 9q34.3.
Variant type: single nucleotide variant.
Coding change: c.202C>G on transcript NM_001177316.2 (MANE Select); coding-DNA position 202, C replaced by G.
Protein change: p.Arg68Gly; replaces arginine 68 with glycine.
Molecular consequence: missense variant.
Genome position (GRCh38, 1-based): chr9:137,232,601, C>G. VCF-style: chr9-137232601-C-G. GRCh37 (hg19) VCF-style: chr9-140127053-C-G.
Other names: c.202C>G, p.Arg68Gly (NM_001177317.2, NM_080877.3); c.202C>G (NM_080877.2); short protein forms R68G.
Identifiers: ClinVar variation 1898481 (VCV001898481.4), dbSNP rs774035480, ClinGen allele CA375726747.
Genomic context (GRCh38, chr9:137,232,601, plus strand): 5'-GGCCAGCCAGGGACAGCCTGCCCTGTGTCCTCAGAGCTCCGCGTGGCCGGCAGGCTGCGC[C>G]GCGTGGCCGGCAGCGTCCTCAAGGCCTGCGGGCTCCTCGGCAGCCTGTACTTCTTCATCT-3'
Protein context (NP_001170787.2, residues 58-78): KELRVAGRLR[Arg68Gly]VAGSVLKACG